The following is an entry in ClinVar:

NM_000535.7(PMS2):c.1673_1674inv (p.Thr558Arg)

Gene: PMS2 (PMS1 homolog 2, mismatch repair system component; minus strand). Cytogenetic location: 7p22.1.
Variant type: Inversion.
Coding change: c.1673_1674inv on transcript NM_000535.7 (MANE Select).
Protein change: p.Thr558Arg; replaces threonine 558 with arginine.
Molecular consequence: missense variant. On other transcripts: non-coding transcript variant (1).
Genome position: GRCh38 VCF-style: chr7-5987091-GG-CC. GRCh37 (hg19) VCF-style: chr7-6026722-GG-CC.
Other names: c.1673_1674delinsGG (NM_000535.5, NM_000535.7); c.1268_1269inv, p.Thr423Arg (NM_001322003.2, NM_001322004.2, NM_001322005.2 and 1 more transcripts); c.1517_1518inv, p.Thr506Arg (NM_001322006.2); c.1355_1356inv, p.Thr452Arg (NM_001322007.2, NM_001322008.2); c.1112_1113inv, p.Thr371Arg (NM_001322010.2); c.740_741inv, p.Thr247Arg (NM_001322011.2, NM_001322012.2); c.1100_1101inv, p.Thr367Arg (NM_001322013.2); c.1673_1674inv, p.Thr558Arg (NM_001322014.2); and 1 more; short protein forms T367R, T423R, T247R, T452R, T455R, T558R, T371R, T506R.
Identifiers: ClinVar variation 216869 (VCV000216869.22), ClinGen allele CA338488.

ClinVar aggregate classification (germline): Uncertain significance. Review status: criteria provided, multiple submitters, no conflicts (2 of 4 stars). 4 submissions from 4 submitters: Uncertain significance (4). Last evaluated 2025-07-15.

Conditions:
Hereditary nonpolyposis colorectal neoplasms. Identifiers: MedGen C0009405, MeSH D003123.
Hereditary cancer-predisposing syndrome. Also called: Hereditary Cancer Syndrome; Hereditary neoplastic syndrome; Neoplastic Syndromes, Hereditary; Tumor predisposition. Identifiers: Orphanet 140162, MedGen C0027672, MeSH D009386, MONDO:0015356.

Submissions (4):

Labcorp Genetics (formerly Invitae), Labcorp
Classification: Uncertain significance for Hereditary nonpolyposis colorectal neoplasms. Last evaluated: 2025-07-15. Review status: criteria provided, single submitter. Criteria: Invitae Variant Classification Sherloc (09022015). Collection method: clinical testing. Allele origin: germline.
Comment: This sequence change replaces threonine, which is neutral and polar, with arginine, which is basic and polar, at codon 558 of the PMS2 protein (p.Thr558Arg). Information on the frequency of this variant in the gnomAD database is not available, as this variant may be reported differently in the database. This variant has not been reported in the literature in individuals affected with PMS2-related conditions. ClinVar contains an entry for this variant (Variation ID: 216869). An algorithm developed to predict the effect of missense changes on protein structure and function (PolyPhen-2) suggests that this variant is likely to be tolerated. In summary, the available evidence is currently insufficient to determine the role of this variant in disease. Therefore, it has been classified as a Variant of Uncertain Significance.

Ambry Genetics
Classification: Uncertain significance for Hereditary cancer-predisposing syndrome. Last evaluated: 2024-01-04. Review status: criteria provided, single submitter. Criteria: Ambry Variant Classification Scheme 2023. Collection method: clinical testing. Allele origin: germline.
Comment: The c.1673_1674delCCinsGG variant (also known as p.T558R), located in coding exon 11 of the PMS2 gene, results from an in-frame deletion of CC and insertion of GG at nucleotide positions 1673 to 1674. This results in the substitution of the threonine residue for an arginine residue at codon 558, an amino acid with similar properties. This amino acid position is poorly conserved in available vertebrate species. In addition, this alteration is predicted to be neutral by in silico analysis (Choi Y et al. PLoS ONE. 2012; 7(10):e46688). Since supporting evidence is limited at this time, the clinical significance of this alteration remains unclear.

GeneDx
Classification: Uncertain significance. Last evaluated: 2023-12-22. Review status: criteria provided, single submitter. Criteria: GeneDx Variant Classification Process June 2021. Collection method: clinical testing. Allele origin: germline. Affected: yes.
Comment: Not observed at significant frequency in large population cohorts (gnomAD); In silico analysis supports that this variant does not alter protein structure/function; Has not been previously published as pathogenic or benign to our knowledge; In-silico analysis is inconclusive as to whether the variant alters gene splicing. In the absence of RNA/functional studies, the actual effect of this sequence change is unknown

Color Diagnostics, LLC DBA Color Health
Classification: Uncertain significance for Hereditary cancer-predisposing syndrome. Last evaluated: 2023-12-05. Review status: criteria provided, single submitter. Criteria: ACMG Guidelines, 2015. Collection method: clinical testing. Allele origin: germline.
Comment: This missense variant replaces threonine with arginine at codon 558 of the PMS2 protein. To our knowledge, functional studies have not been reported for this variant. This variant has not been reported in individuals affected with PMS2-related disorders in the literature. This variant has not been identified in the general population by the Genome Aggregation Database (gnomAD). The available evidence is insufficient to determine the role of this variant in disease conclusively. Therefore, this variant is classified as a Variant of Uncertain Significance.